The following is an entry in ClinVar:

NM_000350.3(ABCA4):c.665C>T (p.Ala222Val)

Gene: ABCA4 (ATP binding cassette subfamily A member 4; minus strand). Cytogenetic location: 1p22.1.
Variant type: single nucleotide variant.
Coding change: c.665C>T on transcript NM_000350.3 (MANE Select); coding-DNA position 665, C replaced by T.
Protein change: p.Ala222Val; replaces alanine 222 with valine.
Molecular consequence: missense variant.
Genome position (GRCh38, 1-based): chr1:94,098,897, G>A on the plus strand (C>T on the coding strand, the complement: ABCA4 is on the minus strand). VCF-style: chr1-94098897-G-A. GRCh37 (hg19) VCF-style: chr1-94564453-G-A.
Other names: c.665C>T, p.Ala222Val (NM_001425324.1); short protein forms A222V.
Identifiers: ClinVar variation 1418365 (VCV001418365.3), dbSNP rs2101135772, ClinGen allele CA341289461.

ClinVar aggregate classification (germline): Uncertain significance (1 of 4 stars; one submission).

Allele frequency attached by ClinVar (database versions not stated): gnomAD exomes 0.00001.
gnomAD v4.1: 21 of 1,614,034 alleles (0.0013%); highest among the groups gnomAD compares: Non-Finnish European, 0.0017%; no homozygotes.

Submission:

Labcorp Genetics (formerly Invitae), Labcorp
Classification: Uncertain significance. Last evaluated: 2021-09-29. Review status: criteria provided, single submitter. Criteria: Invitae Variant Classification Sherloc (09022015). Collection method: clinical testing. Allele origin: germline.
Comment: This sequence change replaces alanine with valine at codon 222 of the ABCA4 protein (p.Ala222Val). The alanine residue is highly conserved and there is a small physicochemical difference between alanine and valine. This variant is not present in population databases (ExAC no frequency). This variant has not been reported in the literature in individuals affected with ABCA4-related conditions. Advanced modeling of protein sequence and biophysical properties (such as structural, functional, and spatial information, amino acid conservation, physicochemical variation, residue mobility, and thermodynamic stability) performed at Invitae indicates that this missense variant is not expected to disrupt ABCA4 protein function. Algorithms developed to predict the effect of sequence changes on RNA splicing suggest that this variant may create or strengthen a splice site. In summary, the available evidence is currently insufficient to determine the role of this variant in disease. Therefore, it has been classified as a Variant of Uncertain Significance.